The following is an entry in ClinVar:

NM_006225.4(PLCD1):c.1657G>A (p.Ala553Thr)

Gene: PLCD1 (phospholipase C delta 1; minus strand). Cytogenetic location: 3p22.2.
Variant type: single nucleotide variant.
Coding change: c.1657G>A on transcript NM_006225.4 (MANE Select); coding-DNA position 1657, G replaced by A.
Protein change: p.Ala553Thr; replaces alanine 553 with threonine.
Molecular consequence: missense variant. On other transcripts: non-coding transcript variant (1).
Genome position (GRCh38, 1-based): chr3:38,009,108, C>T on the plus strand (G>A on the coding strand, the complement: PLCD1 is on the minus strand). VCF-style: chr3-38009108-C-T. GRCh37 (hg19) VCF-style: chr3-38050599-C-T.
Other names: c.1720G>A, p.Ala574Thr (NM_001130964.2); c.1720G>A (NM_001130964.1); short protein forms A574T, A553T.
Identifiers: ClinVar variation 30241 (VCV000030241.3), dbSNP rs375683615, ClinGen allele CA129054.

ClinVar aggregate classification (germline): Conflicting classifications of pathogenicity. Review status: no assertion criteria provided (0 of 4 stars). 2 submissions from 2 submitters: Pathogenic (1); Uncertain significance (1). Last evaluated 2024-07-13.

Conditions:
PLCD1-related disorder. Also called: PLCD1-related condition.
Nonsyndromic congenital nail disorder 3 (NDNC3). Also called: LEUKONYCHIA TOTALIS AND/OR PARTIALIS; Nail disorder, nonsyndromic congenital, 3, (leukonychia). Identifiers: MedGen C0544855, MONDO:0007900, OMIM 151600.

Allele frequency attached by ClinVar (database versions not stated): gnomAD exomes 0.00018 and 0.00012; TOPMed 0.00004; ESP Exome Variant Server 0.00008; ExAC 0.00016; gnomAD 0.00017 and 0.00018.
gnomAD v4.1: 198 of 1,613,984 alleles (0.012%); highest among the groups gnomAD compares: Non-Finnish European, 0.0087%; no homozygotes.

Submissions (2):

PreventionGenetics, part of Exact Sciences
Classification: Uncertain significance for PLCD1-related condition. Last evaluated: 2024-07-13. Review status: no assertion criteria provided. Collection method: clinical testing. Allele origin: germline.
Comment: The PLCD1 c.1720G>A variant is predicted to result in the amino acid substitution p.Ala574Thr. This variant has been reported in the heterozygous state to segregate with leukonychia in a family (Kiuru et al. 2011. PubMed ID: 21665001). Functional studies showed that this variant results in ~40% increased enzyme activity (rat ortholog p.Ala553Thr, Nomikos et al. 2016. PubMed ID: 27783455). This variant is reported in 0.10% of alleles in individuals of European (Finnish) descent in gnomAD. At this time, the clinical significance of this variant is uncertain due to the absence of conclusive functional and genetic evidence.

OMIM
Classification: Pathogenic for NAIL DISORDER, NONSYNDROMIC CONGENITAL, 3. Last evaluated: 2011-06-10. Review status: no assertion criteria provided. Collection method: literature only. Allele origin: germline.

Literature cited by the submitters: PubMed 21665001 (cited by OMIM).